The following is an entry in ClinVar:

ClinVar aggregate classification (germline): Benign/Likely benign. Review status: criteria provided, multiple submitters, no conflicts (2 of 4 stars). 2 submissions from 2 submitters: Benign (1); Likely benign (1). Last evaluated 2026-09-01.

Allele frequency attached by ClinVar (database versions not stated): 1000 Genomes Project 0.00040; ExAC 0.00088; 1000 Genomes Project 30x 0.00094; gnomAD exomes 0.00105 and 0.00142; gnomAD 0.00109 and 0.00118; ESP Exome Variant Server 0.00115; TOPMed 0.00117.
gnomAD v4.1: 2,262 of 1,607,390 alleles (0.14%); highest among the groups gnomAD compares: Middle Eastern, 0.3%; 1 homozygote.

Submissions (2):

CeGaT Center for Human Genetics Tuebingen
Classification: Likely benign. Last evaluated: 2026-09-01. Review status: criteria provided, single submitter. Criteria: CeGaT Center For Human Genetics Tuebingen Variant Classification Criteria Version 2. Collection method: clinical testing. Allele origin: germline. Affected: yes. Observed: 4 variant alleles.
Comment: IL12A: BP4, BP7

Labcorp Genetics (formerly Invitae), Labcorp
Classification: Benign. Last evaluated: 2018-08-08. Review status: criteria provided, single submitter. Criteria: Invitae Variant Classification Sherloc (09022015). Collection method: clinical testing. Allele origin: germline.

NM_001397992.1(IL12A):c.558G>A (p.Pro186=)

Genes: IL12A (interleukin 12A; plus strand), IL12A-AS1 (IL12A antisense RNA 1; minus strand). Cytogenetic location: 3q25.33.
Variant type: single nucleotide variant.
Coding change: c.558G>A on transcript NM_001397992.1 (MANE Select); coding-DNA position 558, G replaced by A.
Protein change: p.Pro186=; no amino-acid change (proline 186 retained).
Molecular consequence: synonymous variant.
Genome position (GRCh38, 1-based): chr3:159,995,457, G>A. VCF-style: chr3-159995457-G-A. GRCh37 (hg19) VCF-style: chr3-159713244-G-A.
Other names: c.660G>A, p.Pro220= (NM_000882.4); c.618G>A, p.Pro206= (NM_001354582.2); c.546G>A, p.Pro182= (NM_001354583.2).
Identifiers: ClinVar variation 721071 (VCV000721071.17), dbSNP rs56043315, ClinGen allele CA2684774.